The following is an entry in ClinVar:

ClinVar aggregate classification (germline): Uncertain significance. Review status: criteria provided, multiple submitters, no conflicts (2 of 4 stars). 2 submissions from 2 submitters: Uncertain significance (2). Last evaluated 2025-05-24.

Conditions:
Hereditary cancer-predisposing syndrome. Also called: Hereditary neoplastic syndrome; Tumor predisposition; Neoplastic Syndromes, Hereditary; Hereditary Cancer Syndrome. Identifiers: Orphanet 140162, MedGen C0027672, MeSH D009386, MONDO:0015356.
EGFR-related lung cancer (EGFR). Identifiers: MedGen CN130014.

gnomAD v4.1: 1 of 1,614,160 alleles (0.000062%); highest among the groups gnomAD compares: Non-Finnish European, 0.000085%; no homozygotes.

Submissions (2):

Ambry Genetics
Classification: Uncertain significance for Hereditary cancer-predisposing syndrome. Last evaluated: 2025-05-24. Review status: criteria provided, single submitter. Criteria: Ambry Variant Classification Scheme 2023. Collection method: clinical testing. Allele origin: germline.
Comment: The p.C591W variant (also known as c.1773C>G), located in coding exon 15 of the EGFR gene, results from a C to G substitution at nucleotide position 1773. The cysteine at codon 591 is replaced by tryptophan, an amino acid with highly dissimilar properties. This amino acid position is conserved. In addition, this alteration is predicted to be deleterious by in silico analysis. Based on the available evidence, the clinical significance of this variant remains unclear.

Labcorp Genetics (formerly Invitae), Labcorp
Classification: Uncertain significance for EGFR-related lung cancer. Last evaluated: 2023-03-26. Review status: criteria provided, single submitter. Criteria: Invitae Variant Classification Sherloc (09022015). Collection method: clinical testing. Allele origin: germline.
Comment: In summary, the available evidence is currently insufficient to determine the role of this variant in disease. Therefore, it has been classified as a Variant of Uncertain Significance. Advanced modeling of protein sequence and biophysical properties (such as structural, functional, and spatial information, amino acid conservation, physicochemical variation, residue mobility, and thermodynamic stability) performed at Invitae indicates that this missense variant is expected to disrupt EGFR protein function. ClinVar contains an entry for this variant (Variation ID: 1504590). This variant has not been reported in the literature in individuals affected with EGFR-related conditions. This variant is not present in population databases (gnomAD no frequency). This sequence change replaces cysteine, which is neutral and slightly polar, with tryptophan, which is neutral and slightly polar, at codon 591 of the EGFR protein (p.Cys591Trp).

NM_005228.5(EGFR):c.1773C>G (p.Cys591Trp)

Gene: EGFR (epidermal growth factor receptor; plus strand). Cytogenetic location: 7p11.2.
Variant type: single nucleotide variant.
Coding change: c.1773C>G on transcript NM_005228.5 (MANE Select); coding-DNA position 1773, C replaced by G.
Protein change: p.Cys591Trp; replaces cysteine 591 with tryptophan.
Molecular consequence: missense variant.
Genome position (GRCh38, 1-based): chr7:55,165,330, C>G. VCF-style: chr7-55165330-C-G. GRCh37 (hg19) VCF-style: chr7-55233023-C-G.
Other names: c.1638C>G, p.Cys546Trp (NM_001346897.2, NM_001346899.2); c.1773C>G, p.Cys591Trp (NM_001346898.2, NM_201282.2, NM_201284.2); c.1614C>G, p.Cys538Trp (NM_001346900.2); c.972C>G, p.Cys324Trp (NM_001346941.2); c.1773C>G (NM_005228.3); short protein forms C538W, C324W, C546W, C591W.
Identifiers: ClinVar variation 1504590 (VCV001504590.9), dbSNP rs767304301, ClinGen allele CA367580772.
Genomic context (GRCh38, chr7:55,165,330, plus strand): 5'-CTTGGTGCAGGGACCAGACAACTGTATCCAGTGTGCCCACTACATTGACGGCCCCCACTG[C>G]GTCAAGACCTGCCCGGCAGGAGTCATGGGAGAAAACAACACCCTGGTCTGGAAGTACGCA-3'
Protein context (NP_005219.2, residues 581-601): QCAHYIDGPH[Cys591Trp]VKTCPAGVMG